The following is an entry in ClinVar:

ClinVar aggregate classification (germline): Likely pathogenic (1 of 4 stars; one submission).

Conditions:
Primary ciliary dyskinesia. Also called: Ciliary dyskinesia. Identifiers: Orphanet 244, MedGen C0008780, MONDO:0016575, HP:0012265.

Submission:

Labcorp Genetics (formerly Invitae), Labcorp
Classification: Likely pathogenic for Primary ciliary dyskinesia. Last evaluated: 2022-02-11. Review status: criteria provided, single submitter. Criteria: Invitae Variant Classification Sherloc (09022015). Collection method: clinical testing. Allele origin: germline.
Comment: In summary, the currently available evidence indicates that the variant is pathogenic, but additional data are needed to prove that conclusively. Therefore, this variant has been classified as Likely Pathogenic. Algorithms developed to predict the effect of sequence changes on RNA splicing suggest that this variant may disrupt the consensus splice site. This variant has not been reported in the literature in individuals affected with DNAH5-related conditions. This variant is not present in population databases (gnomAD no frequency). This sequence change affects a donor splice site in intron 16 of the DNAH5 gene. It is expected to disrupt RNA splicing. Variants that disrupt the donor or acceptor splice site typically lead to a loss of protein function (PMID: 16199547), and loss-of-function variants in DNAH5 are known to be pathogenic (PMID: 11788826, 16627867).

Literature cited by the submitters: PubMed 16199547; PubMed 11788826; PubMed 16627867.

NM_001369.3(DNAH5):c.2431+1G>A

Genes: DNAH5 (dynein axonemal heavy chain 5; minus strand), DNAH5-AS1 (DNAH5 antisense RNA 1; plus strand). Cytogenetic location: 5p15.2.
Variant type: single nucleotide variant.
Coding change: c.2431+1G>A on transcript NM_001369.3 (MANE Select); the canonical splice donor site of the intron after coding-DNA position 2431, G replaced by A.
Molecular consequence: splice donor variant.
Genome position (GRCh38, 1-based): chr5:13,894,649, C>T on the plus strand (G>A on the coding strand, the complement: DNAH5 is on the minus strand). VCF-style: chr5-13894649-C-T. GRCh37 (hg19) VCF-style: chr5-13894758-C-T.
Identifiers: ClinVar variation 2096840 (VCV002096840.4), dbSNP rs2547068431, ClinGen allele CA359200512.